The following is an entry in ClinVar:

ClinVar aggregate classification (germline): Likely benign. Review status: criteria provided, multiple submitters, no conflicts (2 of 4 stars). 2 submissions from 2 submitters: Likely benign (2). Last evaluated 2026-06-01.

Allele frequency attached by ClinVar (database versions not stated): gnomAD 0.00001 and 0.00002; gnomAD exomes 0.00003 and 0.00013; TOPMed 0.00003; ExAC 0.00010.
gnomAD v4.1: 40 of 1,611,514 alleles (0.0025%); highest among the groups gnomAD compares: Admixed American, 0.067%; no homozygotes.

Submissions (2):

CeGaT Center for Human Genetics Tuebingen
Classification: Likely benign. Last evaluated: 2026-06-01. Review status: criteria provided, single submitter. Criteria: CeGaT Center For Human Genetics Tuebingen Variant Classification Criteria Version 2. Collection method: clinical testing. Allele origin: germline. Affected: yes. Observed: 1 variant allele.
Comment: KMT2B: BP4, BP7

Labcorp Genetics (formerly Invitae), Labcorp
Classification: Likely benign. Last evaluated: 2025-10-14. Review status: criteria provided, single submitter. Criteria: Invitae Variant Classification Sherloc (09022015). Collection method: clinical testing. Allele origin: germline.

NM_014727.3(KMT2B):c.3681A>G (p.Pro1227=)

Gene: KMT2B (lysine methyltransferase 2B; plus strand). Cytogenetic location: 19q13.12.
Variant type: single nucleotide variant.
Coding change: c.3681A>G on transcript NM_014727.3 (MANE Select); coding-DNA position 3681, A replaced by G.
Protein change: p.Pro1227=; no amino-acid change (proline 1227 retained).
Molecular consequence: synonymous variant.
Genome position (GRCh38, 1-based): chr19:35,725,517, A>G. VCF-style: chr19-35725517-A-G. GRCh37 (hg19) VCF-style: chr19-36216418-A-G.
Identifiers: ClinVar variation 723372 (VCV000723372.10), dbSNP rs775393985, ClinGen allele CA9384836.